The following is an entry in ClinVar:

NM_001015877.2(PHF6):c.577A>T (p.Ser193Cys)

Gene: PHF6 (PHD finger protein 6; plus strand). Cytogenetic location: Xq26.2.
Variant type: single nucleotide variant.
Coding change: c.577A>T on transcript NM_001015877.2 (MANE Select); coding-DNA position 577, A replaced by T.
Protein change: p.Ser193Cys; replaces serine 193 with cysteine.
Molecular consequence: missense variant.
Genome position (GRCh38, 1-based): chrX:134,413,649, A>T. VCF-style: chrX-134413649-A-T. GRCh37 (hg19) VCF-style: chrX-133547679-A-T.
Other names: c.580A>T, p.Ser194Cys (NM_032335.3); c.577A>T, p.Ser193Cys (NM_032458.3); short protein forms S194C, S193C.
Identifiers: ClinVar variation 3647292 (VCV003647292.2).

ClinVar aggregate classification (germline): Uncertain significance (1 of 4 stars; one submission).

Conditions:
Borjeson-Forssman-Lehmann syndrome (BFLS). Also called: MENTAL RETARDATION, X-LINKED, SYNDROMIC, BORJESON-FORSSMAN-LEHMANN TYPE; MENTAL RETARDATION, EPILEPSY, AND ENDOCRINE DISORDERS; BORJESON SYNDROME. Identifiers: Orphanet 127, MedGen C0265339, MONDO:0010537, OMIM 301900.

Submission:

Labcorp Genetics (formerly Invitae), Labcorp
Classification: Uncertain significance for Borjeson-Forssman-Lehmann syndrome. Last evaluated: 2024-03-22. Review status: criteria provided, single submitter. Criteria: Invitae Variant Classification Sherloc (09022015). Collection method: clinical testing. Allele origin: germline.
Comment: This sequence change replaces serine, which is neutral and polar, with cysteine, which is neutral and slightly polar, at codon 193 of the PHF6 protein (p.Ser193Cys). This variant is not present in population databases (gnomAD no frequency). This variant has not been reported in the literature in individuals affected with PHF6-related conditions. Advanced modeling of protein sequence and biophysical properties (such as structural, functional, and spatial information, amino acid conservation, physicochemical variation, residue mobility, and thermodynamic stability) performed at Invitae indicates that this missense variant is expected to disrupt PHF6 protein function with a positive predictive value of 80%. In summary, the available evidence is currently insufficient to determine the role of this variant in disease. Therefore, it has been classified as a Variant of Uncertain Significance.